The following is an entry in ClinVar:

ClinVar aggregate classification (germline): Pathogenic. Review status: reviewed by expert panel (3 of 4 stars). 19 submissions from 19 submitters: Pathogenic (1). 18 of the submissions do not count toward it. Last evaluated 2015-08-10.

Conditions:
Pancreatic cancer, susceptibility to, 4. Identifiers: Orphanet 1333, MedGen C3280442, MONDO:0013685, OMIM 614320.
Breast-ovarian cancer, familial, susceptibility to, 1 (BROVCA1). Also called: BRCA1 Hereditary Breast and Ovarian Cancer; OVARIAN CANCER, SUSCEPTIBILITY TO. Identifiers: Orphanet 145, MedGen C2676676, MONDO:0011450, OMIM 604370. Disease mechanism: loss of function.
Fanconi anemia, complementation group S (FANCS). Identifiers: MedGen C4554406, MONDO:0054748, OMIM 617883.
Inherited breast cancer and ovarian cancer.
Hereditary cancer-predisposing syndrome. Also called: Neoplastic Syndromes, Hereditary; Hereditary neoplastic syndrome; Hereditary Cancer Syndrome; Tumor predisposition. Identifiers: Orphanet 140162, MedGen C0027672, MeSH D009386, MONDO:0015356.
Hereditary breast ovarian cancer syndrome. Also called: Hereditary breast and ovarian cancer syndrome (HBOC); Breast and ovarian cancer; BRCA1- and BRCA2-Associated Hereditary Breast and Ovarian Cancer; Hereditary breast and ovarian cancer syndrome; Hereditary breast and ovarian cancer; Hereditary breast and/or ovarian cancer syndrome. Identifiers: Orphanet 145, MedGen C0677776, MeSH D061325, MONDO:0003582. Disease mechanism: loss of function.
Malignant tumor of breast. Also called: Malignant breast neoplasm; Cancer breast. Identifiers: MedGen C0006142, MONDO:0007254. Disease mechanism: loss of function.

Allele frequency attached by ClinVar (database versions not stated): gnomAD exomes below 0.00001 and 0.00001.
gnomAD v4.1: 3 of 1,605,960 alleles (0.00019%); highest among the groups gnomAD compares: South Asian, 0.0022%; no homozygotes.

Submissions 1 to 7 of 20:

Evidence-based Network for the Interpretation of Germline Mutant Alleles (ENIGMA)
Classification: Pathogenic for Breast-ovarian cancer, familial 1. Last evaluated: 2015-08-10. Review status: reviewed by expert panel. Criteria: ENIGMA BRCA1/2 Classification Criteria (2015). Collection method: curation. Allele origin: germline.
Comment: IARC class based on posterior probability from multifactorial likelihood analysis, thresholds for class as per Plon et al. 2008 (PMID: 18951446). Class 5 based on posterior probability = 1

Dasa
Classification: Pathogenic for Breast-ovarian cancer, familial, susceptibility to, 1. Last evaluated: 2026-04-08. Review status: criteria provided, single submitter. Criteria: DASA Assertion Criteria. Collection method: clinical testing. Allele origin: germline. Not counted in ClinVar's aggregate classification.
Comment: NM_007294.4(BRCA1):c.5074+1G>A affects a canonical splice site and is predicted to disrupt normal RNA splicing, leading to loss of normal protein function. Loss-of-function is an established mechanism of disease for this gene. Functional evidence supports a deleterious effect on the gene or gene product. Multiple computational predictions support a deleterious effect on the gene or gene product. The variant is present at low frequency in population datasets. Based on the available data, this variant is classified as pathogenic.

GeneDx
Classification: Pathogenic. Last evaluated: 2026-01-30. Review status: criteria provided, single submitter. Criteria: GeneDx Variant Classification Process June 2021. Collection method: clinical testing. Allele origin: germline. Affected: yes. Not counted in ClinVar's aggregate classification.
Comment: Canonical splice site variant predicted to result in a null allele in a gene for which loss-of-function is a known mechanism of disease; Published functional studies demonstrate a damaging effect: variant classified as non-functional based on a saturation genome editing (SGE) assay measuring cell survival (PMID: 30209399); Observed in individuals with a personal or family history consistent with pathogenic variants in this gene (PMID: 22752604, 26911350, 27553291, 29470806); Multifactorial studies suggest this variant is associated with breast and ovarian cancer (PMID: 21990134); Not observed at significant frequency in large population cohorts (gnomAD); Truncating variants in this gene are considered pathogenic by a well-established clinical consortium and/or database; This variant is associated with the following publications: (PMID: 17924331, 23593081, 34413315, 29922827, 25525159, 25724305, 22752604, 26911350, 27553291, 29470806, 29446198, 30209399, 31706072, 30093976, 31372034, 31528241, 31161121, 32341426, 32885271, 30875412, 30787465, 35710434, 35377489, 27535533, 21990134)

Labcorp Genetics (formerly Invitae), Labcorp
Classification: Pathogenic for Hereditary breast ovarian cancer syndrome. Last evaluated: 2026-01-26. Review status: criteria provided, single submitter. Criteria: Invitae Variant Classification Sherloc (09022015). Collection method: clinical testing. Allele origin: germline. Not counted in ClinVar's aggregate classification.
Comment: This sequence change affects a donor splice site in intron 16 of the BRCA1 gene. RNA analysis indicates that disruption of this splice site induces altered splicing and may result in an absent or altered protein product. This variant is present in population databases (rs80358053, gnomAD 0.003%). Disruption of this splice site has been observed in individual(s) with triple-negative breast cancer (PMID: 27553291). This variant is also known as IVS17+1G>A. ClinVar contains an entry for this variant (Variation ID: 37629). Based on a multifactorial likelihood algorithm using genetic, in silico, and/or statistical data, this variant has been determined to have a high probability of being pathogenic (PMID: 17924331, 21990134). Experimental studies have shown that disruption of this splice site affects BRCA1 function (PMID: 30209399). Studies have shown that disruption of this splice site results in skipping of exon 16, and produces a non-functional protein and/or introduces a premature termination codon (internal data). For these reasons, this variant has been classified as Pathogenic.

Genetics Laboratory, Great Ormond Street Hospital NHS Foundation Trust, North Thames Genomic Laboratory Hub
Classification: Pathogenic for Inherited breast cancer and ovarian cancer. Last evaluated: 2025-12-12. Review status: criteria provided, single submitter. Criteria: CanVIG BRCA Gene Specific V1.22. Collection method: clinical testing. Allele origin: germline. Affected: yes. Not counted in ClinVar's aggregate classification.
Comment: PS4_moderate, PM2_moderate, PVS1_very-strong, PP4_moderate

Ambry Genetics
Classification: Pathogenic for Hereditary cancer-predisposing syndrome. Last evaluated: 2025-10-14. Review status: criteria provided, single submitter. Criteria: Ambry Variant Classification Scheme 2023. Collection method: clinical testing. Allele origin: germline. Not counted in ClinVar's aggregate classification.
Comment: The c.5074+1G>A intronic pathogenic mutation results from a G to A substitution one nucleotide after coding exon 15 of the BRCA1 gene. Additionally, based on a multifactorial likelihood ratio model that integrates family history information as well as co-segregation and co-occurrence information, this alteration is calculated to have an odds ratio in favor of disease causality of 196:1 (Easton, DF et al. Am J Hum Genet. 2007 Nov;81(5):873-83). One functional study found that this nucleotide substitution is non-functional in a high throughput genome editing haploid cell survival assay (Findlay, GM. et al. Nature 2018 10;562(7726):217-222). RNA studies have demonstrated that this alteration results in abnormal splicing in the set of samples tested (Ambry internal data). This nucleotide position is highly conserved in available vertebrate species. In silico splice site analysis predicts that this alteration will weaken the native splice donor site. Alterations that disrupt the canonical splice site are expected to cause aberrant splicing, resulting in an abnormal protein or a transcript that is subject to nonsense-mediated mRNA decay. As such, this alteration is classified as a disease-causing mutation.

KCCC/NGS Laboratory, Kuwait Cancer Control Center
Classification: Pathogenic for Breast-ovarian cancer, familial, susceptibility to, 1. Last evaluated: 2024-10-09. Review status: criteria provided, single submitter. Criteria: ACMG Guidelines, 2015. Collection method: clinical testing. Allele origin: germline. Inheritance: Autosomal dominant inheritance. Affected: yes. Observed: 1 heterozygote. Not counted in ClinVar's aggregate classification.
Comment: This sequence change affects a donor splice site in intron 16 of the BRCA1 gene. RNA analysis indicates that disruption of this splice site induces altered splicing and may result in an absent or disrupted protein product. This variant is present in population databases (rs80358053, gnomAD 0.003%). Disruption of this splice site has been observed in individual(s) with triple-negative breast cancer (PMID: PMID: 17924331, 23593081, 25525159, 25724305, 22752604, 26911350, 27553291, 29470806, 29446198, 30209399, 31706072, 30093976, 31372034, 31528241, 31161121, 21990134, 27535533, 32341426, 32885271). This variant is also known as c.5074+1G>A . ClinVar contains an entry for this variant (Variation ID: 37629). In silico splice site analysis predicts that this alteration will weaken the native splice donor site. Experimental studies have shown that disruption of this splice site affects BRCA1 function (PMID: 30209399). Studies have shown that disruption of this splice site results in skipping of exon 16 and introduces a premature termination codon . The resulting mRNA is expected to undergo nonsense-mediated decay. For these reasons, this variant has been classified as Pathogenic.

NM_007294.4(BRCA1):c.5074+1G>A

Gene: BRCA1 (BRCA1 DNA repair associated; minus strand). Cytogenetic location: 17q21.31.
Variant type: single nucleotide variant.
Coding change: c.5074+1G>A on transcript NM_007294.4 (MANE Select); the canonical splice donor site of the intron after coding-DNA position 5074, G replaced by A.
Molecular consequence: splice donor variant. On other transcripts: intron variant (1).
Genome position (GRCh38, 1-based): chr17:43,067,607, C>T on the plus strand (G>A on the coding strand, the complement: BRCA1 is on the minus strand). VCF-style: chr17-43067607-C-T. GRCh37 (hg19) VCF-style: chr17-41219624-C-T.
Other names: IVS17+1G>A; c.1630+1G>A (NM_001408451.1); c.4861+1G>A (NM_001407898.1, NM_001407908.1, NM_001407902.1 and 12 more transcripts); c.4864+1G>A (NM_001407881.1, NM_001407882.1, NM_001407885.1 and 5 more transcripts); c.4807+1G>A (NM_001407932.1, NM_001407928.1, NM_001407931.1 and 4 more transcripts); c.1621+1G>A (NM_001408464.1, NM_001408467.1, NM_001408459.1 and 7 more transcripts); c.4930+1G>A (NM_001407742.1, NM_001407945.1, NM_001407736.1 and 21 more transcripts); c.1501+1G>A (NM_001408498.1, NM_001408501.1, NM_001408500.1 and 3 more transcripts); and 72 more.
Identifiers: ClinVar variation 37629 (VCV000037629.40), dbSNP rs80358053, ClinGen allele CA003193.